The following is an entry in ClinVar:

NM_006565.4(CTCF):c.1757A>C (p.Glu586Ala)

Gene: CTCF (CCCTC-binding factor; plus strand). Cytogenetic location: 16q22.1.
Variant type: single nucleotide variant.
Coding change: c.1757A>C on transcript NM_006565.4 (MANE Select); coding-DNA position 1757, A replaced by C.
Protein change: p.Glu586Ala; replaces glutamic acid 586 with alanine.
Molecular consequence: missense variant.
Genome position (GRCh38, 1-based): chr16:67,629,453, A>C. VCF-style: chr16-67629453-A-C. GRCh37 (hg19) VCF-style: chr16-67663356-A-C.
Other names: c.773A>C, p.Glu258Ala (NM_001191022.2); c.1757A>C, p.Glu586Ala (NM_001363916.2); short protein forms E258A, E586A.
Identifiers: ClinVar variation 2672644 (VCV002672644.23), dbSNP rs2142869398, ClinGen allele CA396321728.

ClinVar aggregate classification (germline): Uncertain significance (1 of 4 stars; one submission).

Submission:

CeGaT Center for Human Genetics Tuebingen
Classification: Uncertain significance. Last evaluated: 2023-11-01. Review status: criteria provided, single submitter. Criteria: CeGaT Center For Human Genetics Tuebingen Variant Classification Criteria Version 2. Collection method: clinical testing. Allele origin: germline. Affected: yes. Observed: 1 variant allele.
Comment: CTCF: PM2